The following is an entry in ClinVar:

ClinVar aggregate classification (germline): Uncertain significance (1 of 4 stars; one submission).

Conditions:
Acrocallosal syndrome (ACLS). Also called: Schinzel syndrome 1; Absence of corpus callosum with unusual facial appearance, mental deficiency, duplication of the halluces and polydactyly; HALLUX DUPLICATION, POSTAXIAL POLYDACTYLY, AND ABSENCE OF CORPUS CALLOSUM. Identifiers: Orphanet 36, MedGen C0796147, MONDO:0008708, OMIM 200990.

Allele frequency attached by ClinVar (database versions not stated): TOPMed below 0.00001; gnomAD 0.00001; gnomAD exomes 0.00001 and 0.00002; ExAC 0.00002.
gnomAD v4.1: 11 of 1,613,792 alleles (0.00068%); highest among the groups gnomAD compares: Non-Finnish European, 0.00093%; no homozygotes.

Submission:

Labcorp Genetics (formerly Invitae), Labcorp
Classification: Uncertain significance for Acrocallosal syndrome. Last evaluated: 2025-03-03. Review status: criteria provided, single submitter. Criteria: Invitae Variant Classification Sherloc (09022015). Collection method: clinical testing. Allele origin: germline.
Comment: This sequence change replaces serine, which is neutral and polar, with leucine, which is neutral and non-polar, at codon 620 of the KIF7 protein (p.Ser620Leu). This variant is present in population databases (rs776869340, gnomAD 0.003%). This variant has not been reported in the literature in individuals affected with KIF7-related conditions. ClinVar contains an entry for this variant (Variation ID: 1402684). Invitae Evidence Modeling of protein sequence and biophysical properties (such as structural, functional, and spatial information, amino acid conservation, physicochemical variation, residue mobility, and thermodynamic stability) indicates that this missense variant is not expected to disrupt KIF7 protein function with a negative predictive value of 80%. In summary, the available evidence is currently insufficient to determine the role of this variant in disease. Therefore, it has been classified as a Variant of Uncertain Significance.

NM_198525.3(KIF7):c.1859C>T (p.Ser620Leu)

Gene: KIF7 (kinesin family member 7; minus strand). Cytogenetic location: 15q26.1.
Variant type: single nucleotide variant.
Coding change: c.1859C>T on transcript NM_198525.3 (MANE Select); coding-DNA position 1859, C replaced by T.
Protein change: p.Ser620Leu; replaces serine 620 with leucine.
Molecular consequence: missense variant.
Genome position (GRCh38, 1-based): chr15:89,645,956, G>A on the plus strand (C>T on the coding strand, the complement: KIF7 is on the minus strand). VCF-style: chr15-89645956-G-A. GRCh37 (hg19) VCF-style: chr15-90189187-G-A.
Other names: short protein forms S620L.
Identifiers: ClinVar variation 1402684 (VCV001402684.6), dbSNP rs776869340, ClinGen allele CA7728432.